The following is an entry in ClinVar:

NM_001130009.3(GEN1):c.1900T>C (p.Cys634Arg)

Gene: GEN1 (GEN1 structure-specific endonuclease; plus strand). Cytogenetic location: 2p24.2.
Variant type: single nucleotide variant.
Coding change: c.1900T>C on transcript NM_001130009.3 (MANE Select); coding-DNA position 1900, T replaced by C.
Protein change: p.Cys634Arg; replaces cysteine 634 with arginine.
Molecular consequence: missense variant.
Genome position (GRCh38, 1-based): chr2:17,781,112, T>C. VCF-style: chr2-17781112-T-C. GRCh37 (hg19) VCF-style: chr2-17962379-T-C.
Other names: c.1900T>C, p.Cys634Arg (NM_182625.5); short protein forms C634R.
Identifiers: ClinVar variation 3021660 (VCV003021660.3), dbSNP rs2125178910, ClinGen allele CA345926873.

ClinVar aggregate classification (germline): Uncertain significance (1 of 4 stars; one submission).

Allele frequency attached by ClinVar (database versions not stated): gnomAD 0.00001.
gnomAD v4.1: 1 of 1,613,734 alleles (0.000062%); highest among the groups gnomAD compares: Non-Finnish European, 0.000085%; no homozygotes.

Submission:

Labcorp Genetics (formerly Invitae), Labcorp
Classification: Uncertain significance. Last evaluated: 2025-07-31. Review status: criteria provided, single submitter. Criteria: Invitae Variant Classification Sherloc (09022015). Collection method: clinical testing. Allele origin: germline.
Comment: This sequence change replaces cysteine, which is neutral and slightly polar, with arginine, which is basic and polar, at codon 634 of the GEN1 protein (p.Cys634Arg). This variant is not present in population databases (gnomAD no frequency). This variant has not been reported in the literature in individuals affected with GEN1-related conditions. ClinVar contains an entry for this variant (Variation ID: 3021660). An algorithm developed to predict the effect of missense changes on protein structure and function outputs the following: PolyPhen-2: "Benign". The arginine amino acid residue is found in multiple mammalian species, which suggests that this missense change does not adversely affect protein function. In summary, the available evidence is currently insufficient to determine the role of this variant in disease. Therefore, it has been classified as a Variant of Uncertain Significance.